The following is an entry in ClinVar:

ClinVar aggregate classification (germline): Pathogenic/Likely pathogenic. Review status: criteria provided, multiple submitters, no conflicts (2 of 4 stars). 3 submissions from 3 submitters: Pathogenic (1); Likely pathogenic (2). Last evaluated 2025-02-19.

Conditions:
Multiple acyl-CoA dehydrogenase deficiency (MADD). Also called: Glutaric aciduria, type 2; Glutaric Acidemia type 2; Glutaric acidemia type II; GA 2; ETHYLMALONIC-ADIPICACIDURIA; GA II. Identifiers: Orphanet 26791, MedGen C0268596, MONDO:0009282, OMIM 231680.

Allele frequency attached by ClinVar (database versions not stated): gnomAD exomes below 0.00001; ExAC 0.00001.
gnomAD v4.1: 1 of 1,611,488 alleles (0.000062%); no homozygotes.

Submissions (3):

Department of Clinical Genetics, Copenhagen University Hospital, Rigshospitalet
Classification: Likely pathogenic for Multiple acyl-CoA dehydrogenase deficiency. Last evaluated: 2025-02-19. Review status: criteria provided, single submitter. Criteria: ACMG Guidelines, 2015. Collection method: clinical testing. Allele origin: germline. Affected: yes.
Comment: The following ACMG criteria has been used: PM2_SUP; PP3_MOD; PM3; PS4_SUP

Fulgent Genetics
Classification: Likely pathogenic for Multiple acyl-CoA dehydrogenase deficiency. Last evaluated: 2023-12-29. Review status: criteria provided, single submitter. Criteria: ACMG Guidelines, 2015. Collection method: clinical testing. Allele origin: germline.

Labcorp Genetics (formerly Invitae), Labcorp
Classification: Pathogenic for Multiple acyl-CoA dehydrogenase deficiency. Last evaluated: 2022-08-06. Review status: criteria provided, single submitter. Criteria: Invitae Variant Classification Sherloc (09022015). Collection method: clinical testing. Allele origin: germline.
Comment: This sequence change replaces histidine, which is basic and polar, with arginine, which is basic and polar, at codon 588 of the ETFDH protein (p.His588Arg). Advanced modeling of protein sequence and biophysical properties (such as structural, functional, and spatial information, amino acid conservation, physicochemical variation, residue mobility, and thermodynamic stability) performed at Invitae indicates that this missense variant is expected to disrupt ETFDH protein function. For these reasons, this variant has been classified as Pathogenic. This variant is present in population databases (rs781498366, gnomAD 0.0009%). This missense change has been observed in individual(s) with clinical features of multiple acyl-CoA dehydrogenase deficiency (PMID: 24357026; Invitae). In at least one individual the data is consistent with being in trans (on the opposite chromosome) from a pathogenic variant. ClinVar contains an entry for this variant (Variation ID: 1069045).

Literature cited by the submitters: PubMed 39950184 (cited by Department of Clinical Genetics, Copenhagen University Hospital, Rigshospitalet); PubMed 24357026 (cited by Department of Clinical Genetics, Copenhagen University Hospital, Rigshospitalet and Labcorp Genetics (formerly Invitae), Labcorp).

NM_004453.4(ETFDH):c.1763A>G (p.His588Arg)

Gene: ETFDH (electron transfer flavoprotein dehydrogenase; plus strand). Cytogenetic location: 4q32.1.
Variant type: single nucleotide variant.
Coding change: c.1763A>G on transcript NM_004453.4 (MANE Select); coding-DNA position 1763, A replaced by G.
Protein change: p.His588Arg; replaces histidine 588 with arginine.
Molecular consequence: missense variant.
Genome position (GRCh38, 1-based): chr4:158,708,436, A>G. VCF-style: chr4-158708436-A-G. GRCh37 (hg19) VCF-style: chr4-159629588-A-G.
Other names: c.1622A>G, p.His541Arg (NM_001281737.2); c.1580A>G, p.His527Arg (NM_001281738.1); short protein forms H527R, H541R, H588R.
Identifiers: ClinVar variation 1069045 (VCV001069045.11), dbSNP rs781498366, ClinGen allele CA3122718.